The following is an entry in ClinVar:

NM_001368397.1(FRMPD4):c.2161G>A (p.Asp721Asn)

Gene: FRMPD4 (FERM and PDZ domain containing 4; plus strand). Cytogenetic location: Xp22.2.
Variant type: single nucleotide variant.
Coding change: c.2161G>A on transcript NM_001368397.1 (MANE Select); coding-DNA position 2161, G replaced by A.
Protein change: p.Asp721Asn; replaces aspartic acid 721 with asparagine.
Molecular consequence: missense variant.
Genome position (GRCh38, 1-based): chrX:12,716,620, G>A. VCF-style: chrX-12716620-G-A. GRCh37 (hg19) VCF-style: chrX-12734739-G-A.
Other names: c.2272G>A, p.Asp758Asn (NM_001368395.3, NM_001368398.3); c.2167G>A, p.Asp723Asn (NM_001368396.3); c.2152G>A, p.Asp718Asn (NM_001368399.3); c.2041G>A, p.Asp681Asn (NM_001368400.3); c.2137G>A, p.Asp713Asn (NM_001368401.1, NM_001368402.3); c.2161G>A, p.Asp721Asn (NM_014728.3); short protein forms D681N, D713N, D718N, D721N, D723N, D758N.
Identifiers: ClinVar variation 1696566 (VCV001696566.1), dbSNP rs147167664, ClinGen allele CA10349416.

ClinVar aggregate classification (germline): Uncertain significance (1 of 4 stars; one submission).

Conditions:
Intellectual developmental disorder, X-linked 104. Also called: Intellectual disability, X-linked 104. Identifiers: MedGen C4310817, MONDO:0010509, OMIM 300983.

Allele frequency attached by ClinVar (database versions not stated): gnomAD 0.00004; gnomAD exomes 0.00004 and 0.00001; ESP Exome Variant Server 0.00019; ExAC 0.00006; TOPMed 0.00005.
gnomAD v4.1: 17 of 1,209,433 alleles (0.0014%); highest among the groups gnomAD compares: African/African-American, 0.01%; no homozygotes.

Submission:

New York Genome Center
Classification: Uncertain significance for Intellectual developmental disorder, X-linked 104. Last evaluated: 2021-07-16. Review status: criteria provided, single submitter. Criteria: NYGC Assertion Criteria 2020. Collection method: clinical testing. Allele origin: inherited. Observed: 1 hemizygote. Study: CSER-NYCKidSeq.
Comment: The inherited c.2161G>A, p.Asp721Asn variant identified in the FRMPD4 gene has not been reported in the literature in individuals with FRMPD4-related conditions. This variant has four heterozygous alleles in gnomAD v3.1.1 suggesting it is not a common benign variant in the populations represented in this database. In silico algorithms predict a conflicting interpretation of pathogenicity. Given the lack of compelling evidence for its pathogenicity, the inherited c.2161G>A, p.Asp721Asn variant identified in the FRMPD4 gene is reported as a Variant of Uncertain Significance.